The following is an entry in ClinVar:

ClinVar aggregate classification (germline): Likely benign. Review status: criteria provided, multiple submitters, no conflicts (2 of 4 stars). 2 submissions from 2 submitters: Likely benign (2). Last evaluated 2025-09-05.

Conditions:
LEPR-related disorder. Also called: LEPR-related condition; LEPR-related disorders.

Submissions (2):

PreventionGenetics, part of Exact Sciences
Classification: Likely benign for LEPR-related condition. Last evaluated: 2025-09-05. Review status: criteria provided, single submitter. Criteria: ACMG Guidelines, 2015. Collection method: clinical testing. Allele origin: germline.
Comment: This variant is classified as likely benign based on ACMG/AMP sequence variant interpretation guidelines (Richards et al. 2015 PMID: 25741868, with internal and published modifications).

Labcorp Genetics (formerly Invitae), Labcorp
Classification: Likely benign. Last evaluated: 2022-12-11. Review status: criteria provided, single submitter. Criteria: Invitae Variant Classification Sherloc (09022015). Collection method: clinical testing. Allele origin: germline.

NM_002303.6(LEPR):c.3294A>G (p.Ser1098=)

Gene: LEPR (leptin receptor; plus strand). Cytogenetic location: 1p31.3.
Variant type: single nucleotide variant.
Coding change: c.3294A>G on transcript NM_002303.6 (MANE Select); coding-DNA position 3294, A replaced by G.
Protein change: p.Ser1098=; no amino-acid change (serine 1098 retained).
Molecular consequence: synonymous variant.
Genome position (GRCh38, 1-based): chr1:65,636,811, A>G. VCF-style: chr1-65636811-A-G. GRCh37 (hg19) VCF-style: chr1-66102494-A-G.
Identifiers: ClinVar variation 3012172 (VCV003012172.4), dbSNP rs2526960571, ClinGen allele CA418436515.